The following is an entry in ClinVar:

ClinVar aggregate classification (germline): Likely pathogenic (1 of 4 stars; one submission).

Conditions:
Hypohidrotic X-linked ectodermal dysplasia (XHED). Also called: Anhidrotic ectodermal dysplasia X-linked; Christ Siemens Touraine syndrome; ECTODERMAL DYSPLASIA 1, HYPOHIDROTIC, X-LINKED; ECTODERMAL DYSPLASIA 1, HYPOHIDROTIC/HAIR/TOOTH TYPE, X-LINKED; Ectodermal Dysplasia 1, Anhidrotic; ECTODERMAL DYSPLASIA 1. Identifiers: Orphanet 181, Orphanet 238468, MedGen C0162359, MONDO:0010585, OMIM 305100.

Submission:

Labcorp Genetics (formerly Invitae), Labcorp
Classification: Likely pathogenic for Hypohidrotic X-linked ectodermal dysplasia. Last evaluated: 2021-03-29. Review status: criteria provided, single submitter. Criteria: Invitae Variant Classification Sherloc (09022015). Collection method: clinical testing. Allele origin: germline.
Comment: In summary, the currently available evidence indicates that the variant is pathogenic, but additional data are needed to prove that conclusively. Therefore, this variant has been classified as Likely Pathogenic. This variant disrupts the p.Gly350 amino acid residue in EDA. Other variant(s) that disrupt this residue have been observed in individuals with EDA-related conditions (PMID: 24724966), which suggests that this may be a clinically significant amino acid residue. Advanced modeling of protein sequence and biophysical properties (such as structural, functional, and spatial information, amino acid conservation, physicochemical variation, residue mobility, and thermodynamic stability) performed at Invitae indicates that this missense variant is expected to disrupt EDA protein function. This variant has been observed in individual(s) with clinical features of ectodermal dysplasia (PMID: 20236127, Invitae). This variant is not present in population databases (ExAC no frequency). This sequence change replaces glycine with cysteine at codon 350 of the EDA protein (p.Gly350Cys). The glycine residue is highly conserved and there is a large physicochemical difference between glycine and cysteine.

Literature cited by the submitters: PubMed 24724966; PubMed 20236127.

NM_001399.5(EDA):c.1048G>T (p.Gly350Cys)

Gene: EDA (ectodysplasin A; plus strand). Cytogenetic location: Xq13.1.
Variant type: single nucleotide variant.
Coding change: c.1048G>T on transcript NM_001399.5 (MANE Select); coding-DNA position 1048, G replaced by T.
Protein change: p.Gly350Cys; replaces glycine 350 with cysteine.
Molecular consequence: missense variant.
Genome position (GRCh38, 1-based): chrX:70,035,481, G>T. VCF-style: chrX-70035481-G-T. GRCh37 (hg19) VCF-style: chrX-69255331-G-T.
Other names: c.1042G>T, p.Gly348Cys (NM_001005609.2); c.1033G>T, p.Gly345Cys (NM_001005612.3); short protein forms G348C, G350C, G345C.
Identifiers: ClinVar variation 1518460 (VCV001518460.8), dbSNP rs2147519167, ClinGen allele CA413450051.
Genomic context (GRCh38, chrX:70,035,481, plus strand): 5'-CTGCAGTGCACACGCAGCATCGAGACGGGCAAGACCAACTACAACACTTGCTATACCGCA[G>T]GCGTCTGCCTCCTCAAGGCCCGGCAGAAGATCGCCGTCAAGATGGTGCACGCTGACATCT-3'
Protein context (NP_001390.1, residues 340-360): KTNYNTCYTA[Gly350Cys]VCLLKARQKI